The following is an entry in ClinVar:

NM_001165963.4(SCN1A):c.1029-11C>G

Gene: SCN1A (sodium voltage-gated channel alpha subunit 1; minus strand). Cytogenetic location: 2q24.3.
Variant type: single nucleotide variant.
Coding change: c.1029-11C>G on transcript NM_001165963.4 (MANE Select); 11 bases into the intron before coding-DNA position 1029, C replaced by G.
Molecular consequence: intron variant.
Genome position (GRCh38, 1-based): chr2:166,047,779, G>C on the plus strand (C>G on the coding strand, the complement: SCN1A is on the minus strand). VCF-style: chr2-166047779-G-C. GRCh37 (hg19) VCF-style: chr2-166904289-G-C.
Other names: c.1029-11C>G (NM_001353949.2, NM_001353958.2, NM_001353950.2 and 10 more transcripts); c.-1397-11C>G (NM_001353961.2).
Identifiers: ClinVar variation 1610300 (VCV001610300.11), dbSNP rs561758475, ClinGen allele CA1943372.

ClinVar aggregate classification (germline): Likely benign. Review status: criteria provided, multiple submitters, no conflicts (2 of 4 stars). 2 submissions from 2 submitters: Likely benign (2). Last evaluated 2025-10-24.

Conditions:
Early-infantile DEE. Also called: Early infantile epileptic encephalopathy; Ohtahara syndrome; Early infantile epileptic encephalopathy with suppression bursts. Identifiers: Orphanet 1934, MedGen C0393706, MONDO:0800491.

Allele frequency attached by ClinVar (database versions not stated): gnomAD 0.00003 and 0.00004; gnomAD exomes 0.00004 and 0.00005; ExAC 0.00007; 1000 Genomes Project 30x 0.00016; 1000 Genomes Project 0.00020.
gnomAD v4.1: 71 of 1,613,122 alleles (0.0044%); highest among the groups gnomAD compares: Admixed American, 0.01%; no homozygotes.

Submissions (2):

Labcorp Genetics (formerly Invitae), Labcorp
Classification: Likely benign for Early-infantile DEE. Last evaluated: 2025-10-24. Review status: criteria provided, single submitter. Criteria: Invitae Variant Classification Sherloc (09022015). Collection method: clinical testing. Allele origin: germline.

GeneDx
Classification: Likely benign. Last evaluated: 2023-02-07. Review status: criteria provided, single submitter. Criteria: GeneDx Variant Classification Process June 2021. Collection method: clinical testing. Allele origin: germline. Affected: yes.
Comment: Has not been previously published as pathogenic or benign to our knowledge; In silico analysis is inconclusive as to whether the variant alters gene splicing. In the absence of RNA/functional studies, the actual effect of this sequence change is unknown.